The following is an entry in ClinVar:

ClinVar aggregate classification (germline): Likely pathogenic (1 of 4 stars; one submission).

Submission:

Dasa
Classification: Likely pathogenic. Last evaluated: 2025-04-01. Review status: criteria provided, single submitter. Criteria: DASA Assertion Criteria. Collection method: clinical testing. Allele origin: germline.
Comment: NM_001378120.1(MBD5):c.993del (p.Lys331Asnfs*21) is a frameshift variant in MBD5 predicted to alter the reading frame and introduce a premature termination codon and is predicted to result in an absent or altered protein product. Loss of function is an established disease mechanism for MBD5 (PMID: 23422940; PMID: 37463579; PMID: 33912662). Also, this variant is absent from population databases. Based on the currently available evidence, this variant is classified as likely pathogenic.

Literature cited by the submitters: PubMed 23422940; PubMed 37463579; PubMed 33912662.

NM_001378120.1(MBD5):c.993del (p.Lys331fs)

Gene: MBD5 (methyl-CpG binding domain protein 5; plus strand). Cytogenetic location: 2q23.1.
Variant type: Deletion.
Coding change: c.993del on transcript NM_001378120.1 (MANE Select); coding-DNA position 993, one base deleted (A; older notation c.993delA).
Protein change: p.Lys331fs; shifts the reading frame from lysine 331.
Molecular consequence: frameshift variant.
Genome position (GRCh38, 1-based): chr2:148,468,936, A deleted; the last of 3 consecutive A bases (chr2:148,468,934-148,468,936); deleting any one gives the same sequence. VCF-style (leftmost placement, unchanged base first): chr2-148468933-CA-C. GRCh37 (hg19) VCF-style: chr2-149226502-CA-C.
Other names: c.993del, p.Lys331fs (NM_001438854.1, NM_001438855.1, NM_001438856.1 and 7 more transcripts); short protein forms K331fs.
Identifiers: ClinVar variation 4880537 (VCV004880537.2).